The following is an entry in ClinVar:

ClinVar aggregate classification (germline): Uncertain significance (1 of 4 stars; one submission).

Submission:

Labcorp Genetics (formerly Invitae), Labcorp
Classification: Uncertain significance. Last evaluated: 2026-01-12. Review status: criteria provided, single submitter. Criteria: Invitae Variant Classification Sherloc (09022015). Collection method: clinical testing. Allele origin: germline.
Comment: This sequence change replaces valine, which is neutral and non-polar, with leucine, which is neutral and non-polar, at codon 2033 of the NIN protein (p.Val2033Leu). Information on the frequency of this variant in the gnomAD database is not available, as this variant may be reported differently in the database. This variant has not been reported in the literature in individuals affected with NIN-related conditions. ClinVar contains an entry for this variant (Variation ID: 2179717). Experimental studies and prediction algorithms are not available or were not evaluated, and the functional significance of this variant is currently unknown. In summary, the available evidence is currently insufficient to determine the role of this variant in disease. Therefore, it has been classified as a Variant of Uncertain Significance.

NM_020921.4(NIN):c.6096_6097delinsTT (p.Val2033Leu)

Gene: NIN (ninein; minus strand). Cytogenetic location: 14q22.1.
Variant type: Indel.
Coding change: c.6096_6097delinsTT on transcript NM_020921.4 (MANE Select); coding-DNA positions 6096 to 6097, GG replaced by TT.
Protein change: p.Val2033Leu; replaces valine 2033 with leucine.
Molecular consequence: missense variant.
Genome position (GRCh38, 1-based): chr14:50,726,048-50,726,049, CC replaced by AA on the plus strand (GG replaced by TT on the coding strand, the reverse complement: NIN is on the minus strand). VCF-style: chr14-50726048-CC-AA. GRCh37 (hg19) VCF-style: chr14-51192766-CC-AA.
Other names: c.3957_3958delinsTT, p.Val1320Leu (NM_016350.5); c.6096_6097delinsTT, p.Val2033Leu (NM_182946.2); short protein forms V1320L, V2033L.
Identifiers: ClinVar variation 2179717 (VCV002179717.4), dbSNP rs2504810970, ClinGen allele CA2580088214.